The following is an entry in ClinVar:

ClinVar aggregate classification (germline): Uncertain significance (1 of 4 stars; one submission).

Conditions:
Peroxisome biogenesis disorder 9B. Also called: PEX7-Related Refsum Disease; Refsum disease, adult, 2; PEROXISOME BIOGENESIS DISORDER, PEX7-RELATED, ATYPICAL. Identifiers: Orphanet 773, MedGen C2749346, MONDO:0013945, OMIM 614879.

Submission:

Labcorp Genetics (formerly Invitae), Labcorp
Classification: Uncertain significance for Peroxisome biogenesis disorder 9B. Last evaluated: 2022-05-30. Review status: criteria provided, single submitter. Criteria: Invitae Variant Classification Sherloc (09022015). Collection method: clinical testing. Allele origin: germline.
Comment: This sequence change falls in intron 8 of the PEX7 gene. It does not directly change the encoded amino acid sequence of the PEX7 protein. It affects a nucleotide within the consensus splice site. This variant has not been reported in the literature in individuals affected with PEX7-related conditions. This variant is not present in population databases (gnomAD no frequency). In summary, the available evidence is currently insufficient to determine the role of this variant in disease. Therefore, it has been classified as a Variant of Uncertain Significance. Variants that disrupt the consensus splice site are a relatively common cause of aberrant splicing (PMID: 17576681, 9536098). Algorithms developed to predict the effect of sequence changes on RNA splicing suggest that this variant is not likely to affect RNA splicing.

Literature cited by the submitters: PubMed 17576681; PubMed 9536098.

NM_000288.4(PEX7):c.803+5A>C

Gene: PEX7 (peroxisomal biogenesis factor 7; plus strand). Cytogenetic location: 6q23.3.
Variant type: single nucleotide variant.
Coding change: c.803+5A>C on transcript NM_000288.4 (MANE Select); 5 bases into the intron after coding-DNA position 803, A replaced by C.
Molecular consequence: intron variant.
Genome position (GRCh38, 1-based): chr6:136,872,258, A>C. VCF-style: chr6-136872258-A-C. GRCh37 (hg19) VCF-style: chr6-137193396-A-C.
Identifiers: ClinVar variation 2160498 (VCV002160498.4), dbSNP rs759078908, ClinGen allele CA2580075146.